The following is an entry in ClinVar:

ClinVar aggregate classification (germline): Benign (3 of 4 stars; one submission).

Conditions:
Breast-ovarian cancer, familial, susceptibility to, 1 (BROVCA1). Also called: BRCA1 Hereditary Breast and Ovarian Cancer; OVARIAN CANCER, SUSCEPTIBILITY TO. Identifiers: Orphanet 145, MedGen C2676676, MONDO:0011450, OMIM 604370. Disease mechanism: loss of function.

Allele frequency attached by ClinVar (database versions not stated): TOPMed 0.28323; gnomAD 0.29002 and 0.29892; 1000 Genomes Project 30x 0.32948; 1000 Genomes Project 0.33526.
gnomAD v4.1: 45,384 of 151,706 alleles (30%); highest among the groups gnomAD compares: South Asian, 49%; 7,293 homozygotes.

Submission:

Evidence-based Network for the Interpretation of Germline Mutant Alleles (ENIGMA)
Classification: Benign for Breast-ovarian cancer, familial 1. Last evaluated: 2015-01-12. Review status: reviewed by expert panel. Criteria: ENIGMA BRCA1/2 Classification Criteria (2015). Collection method: curation. Allele origin: germline.
Comment: Class 1 not pathogenic based on frequency >1% in an outbred sampleset. Frequency 0.3304 (Asian), 0.128 (African), 0.3575 (European), derived from 1000 genomes (2012-04-30).

NM_007294.4(BRCA1):c.441+1037T>C

Gene: BRCA1 (BRCA1 DNA repair associated; minus strand). Cytogenetic location: 17q21.31.
Variant type: single nucleotide variant.
Coding change: c.441+1037T>C on transcript NM_007294.4 (MANE Select); 1037 bases into the intron after coding-DNA position 441, T replaced by C.
Molecular consequence: intron variant.
Genome position (GRCh38, 1-based): chr17:43,103,085, A>G on the plus strand (T>C on the coding strand, the complement: BRCA1 is on the minus strand). VCF-style: chr17-43103085-A-G. GRCh37 (hg19) VCF-style: chr17-41255102-A-G.
Other names: IVS 7+1037T>C; c.441+1037T>C (NM_001407616.1, NM_007300.4, NM_001407581.1 and 164 more transcripts); c.60+1037T>C (NM_001407965.1, NM_001407959.1, NM_001407962.1 and 4 more transcripts); c.300+1037T>C (NM_001407930.1, NM_001407843.1, NM_001408456.1 and 99 more transcripts); c.231+1037T>C (NM_001408482.1, NM_001407954.1, NM_001407896.1 and 58 more transcripts); c.363+1037T>C (NM_001407874.1, NM_001408416.1, NM_001408414.1 and 21 more transcripts); c.-218-8225T>C (NM_001407967.1, NM_001407966.1); c.309+1037T>C (NM_001408451.1); and 1 more.
Identifiers: ClinVar variation 209483 (VCV000209483.2), dbSNP rs67060599, ClinGen allele CA276453.